The following is an entry in ClinVar:

NM_001374353.1(GLI2):c.845+1G>C

Gene: GLI2 (GLI family zinc finger 2; plus strand). Cytogenetic location: 2q14.2.
Variant type: single nucleotide variant.
Coding change: c.845+1G>C on transcript NM_001374353.1 (MANE Select); the canonical splice donor site of the intron after coding-DNA position 845, G replaced by C.
Molecular consequence: splice donor variant.
Genome position (GRCh38, 1-based): chr2:120,968,916, G>C. VCF-style: chr2-120968916-G-C. GRCh37 (hg19) VCF-style: chr2-121726492-G-C.
Other names: c.845+1G>C (NM_001371271.1, NM_005270.5); c.470+1G>C (NM_001374354.1).
Identifiers: ClinVar variation 419412 (VCV000419412.2), dbSNP rs1064793857, ClinGen allele CA16617227.

ClinVar aggregate classification (germline): Pathogenic (1 of 4 stars; one submission).

Submission:

GeneDx
Classification: Pathogenic. Last evaluated: 2015-07-23. Review status: criteria provided, single submitter. Criteria: GeneDx Variant Classification (06012015). Collection method: clinical testing. Allele origin: germline. Affected: yes.
Comment: The c.845+1G>C variant in the GLI2 gene has not been reported previously as a pathogenic variant nor as a benign polymorphism, to our knowledge. This splice site variant destroys the canonical splice donor site in intron 5. It is predicted to cause abnormal gene splicing, either leading to an abnormal message that is subject to nonsense-mediated mRNA decay, or to an abnormal protein product if the message is used for protein translation. The c.845+1G>C variant was not observed in approximately6500 individuals of European and African American ancestry in the NHLBI Exome Sequencing Project,indicating it is not a common benign variant in these populations. A different nucleotide change at thesame position (c.845+1G>A) has been reported in the Human Gene Mutation Database in association withholoprosencephaly (Stenson et al., 2014). We interpret c.845+1G>C as a pathogenic variant.